The following is an entry in ClinVar:

NM_080680.3(COL11A2):c.3083C>A (p.Pro1028His)

Gene: COL11A2 (collagen type XI alpha 2 chain; minus strand). Cytogenetic location: 6p21.32.
Variant type: single nucleotide variant.
Coding change: c.3083C>A on transcript NM_080680.3 (MANE Select); coding-DNA position 3083, C replaced by A.
Protein change: p.Pro1028His; replaces proline 1028 with histidine.
Molecular consequence: missense variant.
Genome position (GRCh38, 1-based): chr6:33,171,780, G>T on the plus strand (C>A on the coding strand, the complement: COL11A2 is on the minus strand). VCF-style: chr6-33171780-G-T. GRCh37 (hg19) VCF-style: chr6-33139557-G-T.
Other names: c.2762C>A, p.Pro921His (NM_080679.3); c.2825C>A, p.Pro942His (NM_080681.3); short protein forms P921H, P1028H, P942H.
Identifiers: ClinVar variation 1491552 (VCV001491552.8), dbSNP rs549544364, ClinGen allele CA363636522.
Genomic context (GRCh38, chr6:33,171,780, plus strand): 5'-CCTTTCTCTCCTGCTGCTCCAGGGGGACCCTGCGGGCCTGGGCGCCCTGGCGGACCAATG[G>T]GTCCCCCTGATCCTGCTGCACCTCGTTCCCCAGGGGAGCCCTGAGAAAGCAGATGGTCAG-3'
Protein context (NP_542411.2, residues 1018-1038): GERGAAGSGG[Pro1028His]IGPPGRPGPQ

ClinVar aggregate classification (germline): Uncertain significance (1 of 4 stars; one submission).

Submission:

Labcorp Genetics (formerly Invitae), Labcorp
Classification: Uncertain significance. Last evaluated: 2024-10-15. Review status: criteria provided, single submitter. Criteria: Invitae Variant Classification Sherloc (09022015). Collection method: clinical testing. Allele origin: germline.
Comment: This sequence change replaces proline, which is neutral and non-polar, with histidine, which is basic and polar, at codon 1028 of the COL11A2 protein (p.Pro1028His). This variant is not present in population databases (gnomAD no frequency). This variant has not been reported in the literature in individuals affected with COL11A2-related conditions. ClinVar contains an entry for this variant (Variation ID: 1491552). Invitae Evidence Modeling of protein sequence and biophysical properties (such as structural, functional, and spatial information, amino acid conservation, physicochemical variation, residue mobility, and thermodynamic stability) indicates that this missense variant is not expected to disrupt COL11A2 protein function with a negative predictive value of 95%. In summary, the available evidence is currently insufficient to determine the role of this variant in disease. Therefore, it has been classified as a Variant of Uncertain Significance.